The following is an entry in ClinVar:

ClinVar aggregate classification (germline): Uncertain significance (1 of 4 stars; one submission).

gnomAD v4.1: 17 of 1,595,890 alleles (0.0011%); highest among the groups gnomAD compares: Admixed American, 0.0017%; 1 homozygote.

Submission:

Labcorp Genetics (formerly Invitae), Labcorp
Classification: Uncertain significance. Last evaluated: 2025-06-12. Review status: criteria provided, single submitter. Criteria: Invitae Variant Classification Sherloc (09022015). Collection method: clinical testing. Allele origin: germline.
Comment: This sequence change replaces cysteine, which is neutral and slightly polar, with tyrosine, which is neutral and polar, at codon 978 of the ANLN protein (p.Cys978Tyr). This variant is present in population databases (rs200529515, gnomAD 0.003%). This variant has not been reported in the literature in individuals affected with ANLN-related conditions. Invitae Evidence Modeling of protein sequence and biophysical properties (such as structural, functional, and spatial information, amino acid conservation, physicochemical variation, residue mobility, and thermodynamic stability) indicates that this missense variant is expected to disrupt ANLN protein function with a positive predictive value of 80%. In summary, the available evidence is currently insufficient to determine the role of this variant in disease. Therefore, it has been classified as a Variant of Uncertain Significance.

NM_018685.5(ANLN):c.2933G>A (p.Cys978Tyr)

Gene: ANLN (anillin, actin binding protein; plus strand). Cytogenetic location: 7p14.2.
Variant type: single nucleotide variant.
Coding change: c.2933G>A on transcript NM_018685.5 (MANE Select); coding-DNA position 2933, G replaced by A.
Protein change: p.Cys978Tyr; replaces cysteine 978 with tyrosine.
Molecular consequence: missense variant.
Genome position (GRCh38, 1-based): chr7:36,439,253, G>A. VCF-style: chr7-36439253-G-A. GRCh37 (hg19) VCF-style: chr7-36478862-G-A.
Other names: c.2822G>A, p.Cys941Tyr (NM_001284301.3); c.2819G>A, p.Cys940Tyr (NM_001284302.3); short protein forms C940Y, C978Y, C941Y.
Identifiers: ClinVar variation 4707378 (VCV004707378.1).